The following is an entry in ClinVar:

ClinVar aggregate classification (germline): Uncertain significance (1 of 4 stars; one submission).

gnomAD v4.1: 1 of 1,212,190 alleles (0.000082%); highest among the groups gnomAD compares: Admixed American, 0.0022%; no homozygotes.

Submission:

Women's Health and Genetics/Laboratory Corporation of America, LabCorp
Classification: Uncertain significance. Last evaluated: 2025-09-26. Review status: criteria provided, single submitter. Criteria: LabCorp Variant Classification Summary - May 2015. Collection method: clinical testing. Allele origin: germline.
Comment: Variant summary: L1CAM c.3047-3C>T alters a nucleotide located close to a canonical splice site and therefore could affect mRNA splicing, leading to a significantly altered protein sequence. Consensus agreement among computation tools predict no significant impact on normal splicing. However, these predictions have yet to be confirmed by functional studies. The variant allele was found at a frequency of 5.5e-06 in 183283 control chromosomes. The available data on variant occurrences in the general population are insufficient to allow any conclusion about variant significance. To our knowledge, no occurrence of c.3047-3C>T in individuals affected with L1CAM-related conditions and no experimental evidence demonstrating its impact on protein function have been reported. No submitters have cited clinical-significance assessments for this variant to ClinVar. Based on the evidence outlined above, the variant was classified as uncertain significance.

NM_001278116.2(L1CAM):c.3047-3C>T

Gene: L1CAM (L1 cell adhesion molecule; minus strand). Cytogenetic location: Xq28.
Variant type: single nucleotide variant.
Coding change: c.3047-3C>T on transcript NM_001278116.2 (MANE Select); 3 bases into the intron before coding-DNA position 3047, C replaced by T.
Molecular consequence: intron variant.
Genome position (GRCh38, 1-based): chrX:153,864,707, G>A on the plus strand (C>T on the coding strand, the complement: L1CAM is on the minus strand). VCF-style: chrX-153864707-G-A. GRCh37 (hg19) VCF-style: chrX-153130162-G-A.
Other names: c.3032-3C>T (NM_001143963.2); c.3047-3C>T (NM_024003.3, NM_000425.5).
Identifiers: ClinVar variation 4535948 (VCV004535948.1).